The following is an entry in ClinVar:

ClinVar aggregate classification (germline): Uncertain significance. Review status: criteria provided, single submitter (1 of 4 stars). 2 submissions from 2 submitters: Uncertain significance (1). 1 of the submissions does not count toward it. Last evaluated 2022-07-19.

Conditions:
Familial hemophagocytic lymphohistiocytosis 3 (FHL3). Also called: UNC13D-Related Familial Hemophagocytic Lymphohistiocytosis (UNC13D-fHLH). Identifiers: Orphanet 540, MedGen C1837174, MONDO:0012146, OMIM 608898.

Allele frequency attached by ClinVar (database versions not stated): TOPMed 0.00002.

Submissions (2):

Labcorp Genetics (formerly Invitae), Labcorp
Classification: Uncertain significance for Familial hemophagocytic lymphohistiocytosis 3. Last evaluated: 2022-07-19. Review status: criteria provided, single submitter. Criteria: Invitae Variant Classification Sherloc (09022015). Collection method: clinical testing. Allele origin: germline.
Comment: This sequence change replaces isoleucine, which is neutral and non-polar, with methionine, which is neutral and non-polar, at codon 712 of the UNC13D protein (p.Ile712Met). This variant is present in population databases (rs112245411, gnomAD 0.02%). This variant has not been reported in the literature in individuals affected with UNC13D-related conditions. ClinVar contains an entry for this variant (Variation ID: 973681). Algorithms developed to predict the effect of missense changes on protein structure and function are either unavailable or do not agree on the potential impact of this missense change (SIFT: "Not Available"; PolyPhen-2: "Benign"; Align-GVGD: "Not Available"). In summary, the available evidence is currently insufficient to determine the role of this variant in disease. Therefore, it has been classified as a Variant of Uncertain Significance.

UOSD Laboratory of Genetics & Genomics of Rare Diseases, Istituto Giannina Gaslini
Classification: Likely benign for Familial hemophagocytic lymphohistiocytosis 3. Last evaluated: 2020-05-21. Review status: no assertion criteria provided. Collection method: clinical testing. Allele origin: germline. Affected: yes. Observed: 1 variant allele. Not counted in ClinVar's aggregate classification.

NM_199242.3(UNC13D):c.2136C>G (p.Ile712Met)

Gene: UNC13D (unc-13 homolog D; minus strand). Cytogenetic location: 17q25.1.
Variant type: single nucleotide variant.
Coding change: c.2136C>G on transcript NM_199242.3 (MANE Select); coding-DNA position 2136, C replaced by G.
Protein change: p.Ile712Met; replaces isoleucine 712 with methionine.
Molecular consequence: missense variant.
Genome position (GRCh38, 1-based): chr17:75,834,487, G>C on the plus strand (C>G on the coding strand, the complement: UNC13D is on the minus strand). VCF-style: chr17-75834487-G-C. GRCh37 (hg19) VCF-style: chr17-73830568-G-C.
Other names: short protein forms I712M.
Identifiers: ClinVar variation 973681 (VCV000973681.3), dbSNP rs112245411, ClinGen allele CA294086394.
Genomic context (GRCh38, chr17:75,834,487, plus strand): 5'-CAGCACGGCCCCTACCCGCTGCTCCAGGGCCTCCCATGCCAGCTGGGCGGGCAACTTGCC[G>C]ATCACCAGCCGCAGCTGCTCCATGTCATTCACCACCACACACAGCTGGGACAGAGATGCA-3'
Protein context (NP_954712.1, residues 702-722): VNDMEQLRLV[Ile712Met]GKLPAQLAWE